The following is an entry in ClinVar:

NM_002291.3(LAMB1):c.431G>A (p.Arg144His)

Gene: LAMB1 (laminin subunit beta 1; minus strand). Cytogenetic location: 7q31.1.
Variant type: single nucleotide variant.
Coding change: c.431G>A on transcript NM_002291.3 (MANE Select); coding-DNA position 431, G replaced by A.
Protein change: p.Arg144His; replaces arginine 144 with histidine.
Molecular consequence: missense variant.
Genome position (GRCh38, 1-based): chr7:107,986,356, C>T on the plus strand (G>A on the coding strand, the complement: LAMB1 is on the minus strand). VCF-style: chr7-107986356-C-T. GRCh37 (hg19) VCF-style: chr7-107626801-C-T.
Other names: short protein forms R144H.
Identifiers: ClinVar variation 2628921 (VCV002628921.2), dbSNP rs1056788383, ClinGen allele CA164271971.

ClinVar aggregate classification (germline): Uncertain significance. Review status: criteria provided, multiple submitters, no conflicts (2 of 4 stars). 2 submissions from 2 submitters: Uncertain significance (2). Last evaluated 2025-10-15.

Conditions:
Inborn genetic diseases. Identifiers: MedGen C0950123, MeSH D030342.
LAMB1-related disorder. Also called: LAMB1-related condition.

Allele frequency attached by ClinVar (database versions not stated): gnomAD exomes below 0.00001.
gnomAD v4.1: 4 of 1,587,556 alleles (0.00025%); highest among the groups gnomAD compares: Non-Finnish European, 0.00034%; no homozygotes.

Submissions (2):

Ambry Genetics
Classification: Uncertain significance for Inborn genetic diseases. Last evaluated: 2025-10-15. Review status: criteria provided, single submitter. Criteria: Ambry Variant Classification Scheme 2023. Collection method: clinical testing. Allele origin: germline.

PreventionGenetics, part of Exact Sciences
Classification: Uncertain significance for LAMB1-related condition. Last evaluated: 2023-09-15. Review status: criteria provided, single submitter. Criteria: ACMG Guidelines, 2015. Collection method: clinical testing. Allele origin: germline.
Comment: The LAMB1 c.431G>A variant is predicted to result in the amino acid substitution p.Arg144His. To our knowledge, this variant has not been reported in the literature or in a large population database, indicating this variant is rare. At this time, the clinical significance of this variant is uncertain due to the absence of conclusive functional and genetic evidence.